The following is an entry in ClinVar:

ClinVar aggregate classification (germline): Likely benign. Review status: criteria provided, multiple submitters, no conflicts (2 of 4 stars). 3 submissions from 3 submitters: Likely benign (2). 1 of the submissions does not count toward it. Last evaluated 2026-01-05.

Conditions:
CDKN1B-related disorder. Also called: CDKN1B-related condition.
Hereditary cancer-predisposing syndrome. Also called: Neoplastic Syndromes, Hereditary; Hereditary neoplastic syndrome; Tumor predisposition; Hereditary Cancer Syndrome. Identifiers: Orphanet 140162, MedGen C0027672, MeSH D009386, MONDO:0015356.
Multiple endocrine neoplasia type 4. Also called: MULTIPLE ENDOCRINE NEOPLASIA, TYPE IV. Identifiers: Orphanet 276152, MedGen C1970712, MONDO:0012552, OMIM 610755.

Allele frequency attached by ClinVar (database versions not stated): gnomAD below 0.00001 and 0.00001; gnomAD exomes below 0.00001 and 0.00001; ExAC 0.00002; TOPMed 0.00002; ESP Exome Variant Server 0.00008.

Submissions (3):

Labcorp Genetics (formerly Invitae), Labcorp
Classification: Likely benign for Multiple endocrine neoplasia type 4. Last evaluated: 2026-01-05. Review status: criteria provided, single submitter. Criteria: Invitae Variant Classification Sherloc (09022015). Collection method: clinical testing. Allele origin: germline.

Ambry Genetics
Classification: Likely benign for Hereditary cancer-predisposing syndrome. Last evaluated: 2018-11-28. Review status: criteria provided, single submitter. Criteria: Ambry Variant Classification Scheme 2023. Collection method: clinical testing. Allele origin: germline.

PreventionGenetics, part of Exact Sciences
Classification: Likely benign for CDKN1B-related condition. Last evaluated: 2024-07-02. Review status: no assertion criteria provided. Collection method: clinical testing. Allele origin: germline. Not counted in ClinVar's aggregate classification.
Comment: This variant is classified as likely benign based on ACMG/AMP sequence variant interpretation guidelines (Richards et al. 2015 PMID: 25741868, with internal and published modifications).

NM_004064.5(CDKN1B):c.261C>T (p.Phe87=)

Gene: CDKN1B (cyclin dependent kinase inhibitor 1B; plus strand). Cytogenetic location: 12p13.1.
Variant type: single nucleotide variant.
Coding change: c.261C>T on transcript NM_004064.5 (MANE Select); coding-DNA position 261, C replaced by T.
Protein change: p.Phe87=; no amino-acid change (phenylalanine 87 retained).
Molecular consequence: synonymous variant.
Genome position (GRCh38, 1-based): chr12:12,718,100, C>T. VCF-style: chr12-12718100-C-T. GRCh37 (hg19) VCF-style: chr12-12871034-C-T.
Identifiers: ClinVar variation 772929 (VCV000772929.16), dbSNP rs368696530, ClinGen allele CA6457429.